The following is an entry in ClinVar:

NM_001388303.1(HECTD4):c.12263C>T (p.Ser4088Leu)

Gene: HECTD4 (HECT domain E3 ubiquitin protein ligase 4; minus strand). Cytogenetic location: 12q24.13.
Variant type: single nucleotide variant.
Coding change: c.12263C>T on transcript NM_001388303.1 (MANE Select); coding-DNA position 12263, C replaced by T.
Protein change: p.Ser4088Leu; replaces serine 4088 with leucine.
Molecular consequence: missense variant.
Genome position (GRCh38, 1-based): chr12:112,167,863, G>A on the plus strand (C>T on the coding strand, the complement: HECTD4 is on the minus strand). VCF-style: chr12-112167863-G-A. GRCh37 (hg19) VCF-style: chr12-112605667-G-A.
Other names: c.12293C>T, p.Ser4098Leu (NM_001109662.4); short protein forms S4088L, S4098L.
Identifiers: ClinVar variation 3283872 (VCV003283872.15).

ClinVar aggregate classification (germline): Uncertain significance. Review status: criteria provided, multiple submitters, no conflicts (2 of 4 stars). 2 submissions from 2 submitters: Uncertain significance (2). Last evaluated 2024-11-01.

gnomAD v4.1: 92 of 1,613,494 alleles (0.0057%); highest among the groups gnomAD compares: Non-Finnish European, 0.0068%; no homozygotes.

Submissions (2):

CeGaT Center for Human Genetics Tuebingen
Classification: Uncertain significance. Last evaluated: 2024-11-01. Review status: criteria provided, single submitter. Criteria: CeGaT Center For Human Genetics Tuebingen Variant Classification Criteria Version 2. Collection method: clinical testing. Allele origin: germline. Affected: yes. Observed: 1 variant allele.
Comment: HECTD4: PM2

Ambry Genetics
Classification: Uncertain significance. Last evaluated: 2024-05-07. Review status: criteria provided, single submitter. Criteria: Ambry Variant Classification Scheme 2023. Collection method: clinical testing. Allele origin: germline.